The following is an entry in ClinVar:

NM_201548.5(CERKL):c.1177C>T (p.Gln393Ter)

Gene: CERKL (CERK like autophagy regulator; minus strand). Cytogenetic location: 2q31.3.
Variant type: single nucleotide variant.
Coding change: c.1177C>T on transcript NM_201548.5 (MANE Select); coding-DNA position 1177, C replaced by T.
Protein change: p.Gln393Ter; replaces glutamine 393 with a stop codon.
Molecular consequence: nonsense. On other transcripts: non-coding transcript variant (2).
Genome position (GRCh38, 1-based): chr2:181,547,709, G>A on the plus strand (C>T on the coding strand, the complement: CERKL is on the minus strand). VCF-style: chr2-181547709-G-A. GRCh37 (hg19) VCF-style: chr2-182412436-G-A.
Other names: c.1255C>T, p.Gln419Ter (NM_001030311.3); c.838C>T, p.Gln280Ter (NM_001030312.3); c.970C>T, p.Gln324Ter (NM_001030313.3); c.*459C>T (NM_001030314.1, NM_001030315.1); c.1123C>T, p.Gln375Ter (NM_001160277.2); short protein forms Q280*, Q324*, Q375*, Q393*, Q419*.
Identifiers: ClinVar variation 3075993 (VCV003075993.3), dbSNP rs748555018, ClinGen allele CA2010503.
Genomic context (GRCh38, chr2:181,547,709, plus strand): 5'-CTGAACACAGGCAAGGAATTGCCATAATGCTGACATTCAAGAACTGACCCTGGATCATTT[G>A]CCATTGATCATTACAGTCTAAAGGTAATGAAAGTGATTGGTTATTTTCCCTCACCAGAAC-3'

ClinVar aggregate classification (germline): Pathogenic/Likely pathogenic. Review status: criteria provided, multiple submitters, no conflicts (2 of 4 stars). 2 submissions from 2 submitters: Pathogenic (1); Likely pathogenic (1). Last evaluated 2024-11-23.

Conditions:
Retinitis pigmentosa (RP). Identifiers: Orphanet 791, MedGen C0035334, MeSH D012174, MONDO:0019200, OMIM 268000. Inheritance: Autosomal dominant, autosomal recessive and X linked inheritance.

Allele frequency attached by ClinVar (database versions not stated): gnomAD exomes below 0.00001; ExAC 0.00001.
gnomAD v4.1: 1 of 1,614,010 alleles (0.000062%); highest among the groups gnomAD compares: Non-Finnish European, 0.000085%; no homozygotes.

Submissions (2):

Labcorp Genetics (formerly Invitae), Labcorp
Classification: Pathogenic. Last evaluated: 2024-11-23. Review status: criteria provided, single submitter. Criteria: Invitae Variant Classification Sherloc (09022015). Collection method: clinical testing. Allele origin: germline.
Comment: This sequence change creates a premature translational stop signal (p.Gln419*) in the CERKL gene. It is expected to result in an absent or disrupted protein product. Loss-of-function variants in CERKL are known to be pathogenic (PMID: 14681825, 23591405, 24043777). This variant is present in population databases (rs748555018, gnomAD 0.0009%). This variant has not been reported in the literature in individuals affected with CERKL-related conditions. ClinVar contains an entry for this variant (Variation ID: 3075993). Algorithms developed to predict the effect of sequence changes on RNA splicing suggest that this variant may disrupt the consensus splice site. For these reasons, this variant has been classified as Pathogenic.

Laboratory for Molecular Medicine, Mass General Brigham Personalized Medicine
Classification: Likely pathogenic for Retinitis pigmentosa. Last evaluated: 2024-03-27. Review status: criteria provided, single submitter. Criteria: ACMG Guidelines, 2015. Collection method: clinical testing. Allele origin: germline. Inheritance: Autosomal recessive inheritance.
Comment: The p.Gln419X variant in CERKL has not been previously reported in individuals with retinitis pigmentosa but has been identified in 0.0003% (1/350032) of European chromosomes by gnomAD (v.4.0.0). This nonsense variant leads to a premature termination codon at position 419, which is predicted to lead to a truncated or absent protein. Biallelic loss of function of the CERKL gene is an established disease mechanism in autosomal recessive CERKL-related retinopathy. In summary, although additional studies are required to fully establish its clinical significance, this variant meets criteria to be classified as likely pathogenic for autosomal recessive CERKL-related retinitis pigmentosa. ACMG/AMP Criteria applied: PVS1, PM2_Supporting.

Literature cited by the submitters: PubMed 14681825 (cited by Labcorp Genetics (formerly Invitae), Labcorp); PubMed 23591405 (cited by Labcorp Genetics (formerly Invitae), Labcorp); PubMed 24043777 (cited by Labcorp Genetics (formerly Invitae), Labcorp).